The following is an entry in ClinVar:

NM_000038.6(APC):c.5907G>C (p.Leu1969=)

Gene: APC (APC regulator of Wnt signaling pathway; plus strand). Cytogenetic location: 5q22.2.
Variant type: single nucleotide variant.
Coding change: c.5907G>C on transcript NM_000038.6 (MANE Select); coding-DNA position 5907, G replaced by C.
Protein change: p.Leu1969=; no amino-acid change (leucine 1969 retained).
Molecular consequence: synonymous variant.
Genome position (GRCh38, 1-based): chr5:112,841,501, G>C. VCF-style: chr5-112841501-G-C. GRCh37 (hg19) VCF-style: chr5-112177198-G-C.
Other names: c.5907G>C, p.Leu1969= (NM_001127510.3, NM_001354895.2); c.5853G>C, p.Leu1951= (NM_001127511.3); c.5961G>C, p.Leu1987= (NM_001354896.2); c.5937G>C, p.Leu1979= (NM_001354897.2); c.5832G>C, p.Leu1944= (NM_001354898.2); c.5823G>C, p.Leu1941= (NM_001354899.2); c.5784G>C, p.Leu1928= (NM_001354900.2); c.5730G>C, p.Leu1910= (NM_001354901.2); and 5 more.
Identifiers: ClinVar variation 187543 (VCV000187543.25), dbSNP rs200881543, ClinGen allele CA010778.

ClinVar aggregate classification (germline): Benign/Likely benign. Review status: criteria provided, multiple submitters, no conflicts (2 of 4 stars). 7 submissions from 7 submitters: Benign (1); Likely benign (6). Last evaluated 2026-01-18.

Conditions:
Classic or attenuated familial adenomatous polyposis. Identifiers: MedGen CN372698, MONDO:0021057.
Hereditary cancer-predisposing syndrome. Also called: Neoplastic Syndromes, Hereditary; Tumor predisposition; Hereditary Cancer Syndrome; Hereditary neoplastic syndrome. Identifiers: Orphanet 140162, MedGen C0027672, MeSH D009386, MONDO:0015356.
Familial adenomatous polyposis 1 (FAP1). Also called: FAMILIAL ADENOMATOUS POLYPOSIS 1, ATTENUATED; POLYPOSIS, ADENOMATOUS INTESTINAL. Identifiers: MedGen C2713442, MONDO:0021056, OMIM 175100. Disease mechanism: loss of function.

Allele frequency attached by ClinVar (database versions not stated): gnomAD exomes below 0.00001 and 0.00002; ExAC 0.00001; 1000 Genomes Project 30x 0.00016; 1000 Genomes Project 0.00020.
gnomAD v4.1: 34 of 1,613,586 alleles (0.0021%); highest among the groups gnomAD compares: Non-Finnish European, 0.0028%; no homozygotes.

Submissions (7):

Labcorp Genetics (formerly Invitae), Labcorp
Classification: Likely benign for Familial adenomatous polyposis 1. Last evaluated: 2026-01-18. Review status: criteria provided, single submitter. Criteria: Invitae Variant Classification Sherloc (09022015). Collection method: clinical testing. Allele origin: germline.

Women's Health and Genetics/Laboratory Corporation of America, LabCorp
Classification: Likely benign. Last evaluated: 2025-09-29. Review status: criteria provided, single submitter. Criteria: LabCorp Variant Classification Summary - May 2015. Collection method: clinical testing. Allele origin: germline.

Myriad Genetics, Inc.
Classification: Benign for Familial adenomatous polyposis 1. Last evaluated: 2024-04-03. Review status: criteria provided, single submitter. Criteria: Myriad Autosomal Dominant, Autosomal Recessive and X-Linked Classification Criteria (2023). Collection method: clinical testing. Allele origin: unknown.
Comment: This variant is considered benign. This variant is a silent/synonymous amino acid change and it is not expected to impact splicing.

All of Us Research Program, National Institutes of Health
Classification: Likely benign for Classic or attenuated familial adenomatous polyposis. Last evaluated: 2023-11-20. Review status: criteria provided, single submitter. Criteria: ACMG Guidelines, 2015. Collection method: clinical testing. Allele origin: germline. Inheritance: Autosomal dominant inheritance. Observed: 2 variant alleles, 2 heterozygotes.
Comment: This study involves interpretation of variants in research participants for the purpose of population health screening. Participant phenotype was not available at the time of variant classification. Additional details can be found in publication PMID: 35346344, PMCID: PMC8962531

GeneDx
Classification: Likely benign. Last evaluated: 2020-10-16. Review status: criteria provided, single submitter. Criteria: GeneDx Variant Classification Process June 2021. Collection method: clinical testing. Allele origin: germline. Affected: yes.

Color Diagnostics, LLC DBA Color Health
Classification: Likely benign for Hereditary cancer-predisposing syndrome. Last evaluated: 2017-09-22. Review status: criteria provided, single submitter. Criteria: ACMG Guidelines, 2015. Collection method: clinical testing. Allele origin: germline.

Ambry Genetics
Classification: Likely benign for Hereditary cancer-predisposing syndrome. Last evaluated: 2014-12-23. Review status: criteria provided, single submitter. Criteria: Ambry Variant Classification Scheme 2023. Collection method: clinical testing. Allele origin: germline.